The following is an entry in ClinVar:

NM_000374.5(UROD):c.820C>T (p.Gln274Ter)

Gene: UROD (uroporphyrinogen decarboxylase; plus strand). Cytogenetic location: 1p34.1.
Variant type: single nucleotide variant.
Coding change: c.820C>T on transcript NM_000374.5 (MANE Select); coding-DNA position 820, C replaced by T.
Protein change: p.Gln274Ter; replaces glutamine 274 with a stop codon.
Molecular consequence: nonsense. On other transcripts: non-coding transcript variant (3).
Genome position (GRCh38, 1-based): chr1:45,014,781, C>T. VCF-style: chr1-45014781-C-T. GRCh37 (hg19) VCF-style: chr1-45480453-C-T.
Other names: short protein forms Q274*.
Identifiers: ClinVar variation 3664190 (VCV003664190.2).

ClinVar aggregate classification (germline): Pathogenic (1 of 4 stars; one submission).

Submission:

Labcorp Genetics (formerly Invitae), Labcorp
Classification: Pathogenic. Last evaluated: 2024-12-29. Review status: criteria provided, single submitter. Criteria: Invitae Variant Classification Sherloc (09022015). Collection method: clinical testing. Allele origin: germline.
Comment: This sequence change creates a premature translational stop signal (p.Gln274*) in the UROD gene. It is expected to result in an absent or disrupted protein product. Loss-of-function variants in UROD are known to be pathogenic (PMID: 1634232, 17240319, 19233912, 19419417, 23545314). This variant is not present in population databases (gnomAD no frequency). This variant has not been reported in the literature in individuals affected with UROD-related conditions. For these reasons, this variant has been classified as Pathogenic.

Literature cited by the submitters: PubMed 1634232; PubMed 17240319; PubMed 19233912; PubMed 19419417; PubMed 23545314.